The following is an entry in ClinVar:

NM_001267550.2(TTN):c.100171G>C (p.Glu33391Gln)

Genes: TTN (titin; minus strand), TTN-AS1 (TTN antisense RNA 1; plus strand), LOC126806420 (BRD4-independent group 4 enhancer GRCh37_chr2:179401104-179402303; plus strand). Cytogenetic location: 2q31.2.
Variant type: single nucleotide variant.
Coding change: c.100171G>C on transcript NM_001267550.2 (MANE Select); coding-DNA position 100171, G replaced by C.
Protein change: p.Glu33391Gln; replaces glutamic acid 33391 with glutamine.
Molecular consequence: missense variant.
Genome position (GRCh38, 1-based): chr2:178,536,938, C>G on the plus strand (G>C on the coding strand, the complement: TTN is on the minus strand). VCF-style: chr2-178536938-C-G. GRCh37 (hg19) VCF-style: chr2-179401665-C-G.
Other names: c.95248G>C, p.Glu31750Gln (NM_001256850.1); c.72976G>C, p.Glu24326Gln (NM_003319.4); c.92467G>C, p.Glu30823Gln (NM_133378.4); c.73351G>C, p.Glu24451Gln (NM_133432.3); c.73552G>C, p.Glu24518Gln (NM_133437.4); short protein forms E24451Q, E24518Q, E24326Q, E33391Q, E30823Q, E31750Q.
Identifiers: ClinVar variation 4783243 (VCV004783243.1).

ClinVar aggregate classification (germline): Uncertain significance (1 of 4 stars; one submission).

Conditions:
Dilated cardiomyopathy 1G (CMD1G). Identifiers: Orphanet 154, MedGen C1858763, MONDO:0011400, OMIM 604145.
Autosomal recessive limb-girdle muscular dystrophy type 2J (LGMDR10). Also called: Limb-girdle muscular dystrophy, type 2J; MUSCULAR DYSTROPHY, LIMB-GIRDLE, AUTOSOMAL RECESSIVE 10. Identifiers: Orphanet 140922, MedGen C1837342, MONDO:0012127, OMIM 608807.

Submission:

Labcorp Genetics (formerly Invitae), Labcorp
Classification: Uncertain significance for Dilated cardiomyopathy 1G; Autosomal recessive limb-girdle muscular dystrophy type 2J. Last evaluated: 2025-03-20. Review status: criteria provided, single submitter. Criteria: Invitae Variant Classification Sherloc (09022015). Collection method: clinical testing. Allele origin: germline.
Comment: This sequence change replaces glutamic acid, which is acidic and polar, with glutamine, which is neutral and polar, at codon 33391 of the TTN protein (p.Glu33391Gln). This variant also falls at the last nucleotide of exon 356, which is part of the consensus splice site for this exon. This variant is not present in population databases (gnomAD no frequency). This missense change has been observed in individual(s) with dilated cardiomyopathy (internal data). Experimental studies and prediction algorithms are not available or were not evaluated, and the functional significance of this variant is currently unknown. Variants that disrupt the consensus splice site are a relatively common cause of aberrant splicing (PMID: 17576681, 9536098). This variant is located in the A band of TTN (PMID: 25589632). Variants in this region may be relevant for cardiac or neuromuscular disorders (PMID: 25589632, 23975875). In summary, the available evidence is currently insufficient to determine the role of this variant in disease. Therefore, it has been classified as a Variant of Uncertain Significance.

Literature cited by the submitters: PubMed 17576681; PubMed 9536098; PubMed 25589632; PubMed 23975875.